The following is an entry in ClinVar:

NM_144670.6(A2ML1):c.724T>C (p.Cys242Arg)

Gene: A2ML1 (alpha-2-macroglobulin like 1; plus strand). Cytogenetic location: 12p13.31.
Variant type: single nucleotide variant.
Coding change: c.724T>C on transcript NM_144670.6 (MANE Select); coding-DNA position 724, T replaced by C.
Protein change: p.Cys242Arg; replaces cysteine 242 with arginine.
Molecular consequence: missense variant.
Genome position (GRCh38, 1-based): chr12:8,836,335, T>C. VCF-style: chr12-8836335-T-C. GRCh37 (hg19) VCF-style: chr12-8988931-T-C.
Other names: short protein forms C242R.
Identifiers: ClinVar variation 1362974 (VCV001362974.8), dbSNP rs777559324, ClinGen allele CA6435401.

ClinVar aggregate classification (germline): Uncertain significance (1 of 4 stars; one submission).

Allele frequency attached by ClinVar (database versions not stated): gnomAD exomes below 0.00001 and 0.00001; ExAC 0.00002.
gnomAD v4.1: 6 of 1,613,654 alleles (0.00037%); highest among the groups gnomAD compares: South Asian, 0.0066%; no homozygotes.

Submission:

Labcorp Genetics (formerly Invitae), Labcorp
Classification: Uncertain significance. Last evaluated: 2023-02-22. Review status: criteria provided, single submitter. Criteria: Invitae Variant Classification Sherloc (09022015). Collection method: clinical testing. Allele origin: germline.
Comment: In summary, the available evidence is currently insufficient to determine the role of this variant in disease. Therefore, it has been classified as a Variant of Uncertain Significance. An algorithm developed to predict the effect of missense changes on protein structure and function (PolyPhen-2) suggests that this variant is likely to be tolerated. ClinVar contains an entry for this variant (Variation ID: 1362974). This variant has not been reported in the literature in individuals affected with A2ML1-related conditions. This variant is present in population databases (rs777559324, gnomAD 0.01%). This sequence change replaces cysteine, which is neutral and slightly polar, with arginine, which is basic and polar, at codon 242 of the A2ML1 protein (p.Cys242Arg).